The following is an entry in ClinVar:

NM_000465.4(BARD1):c.1810+49A>G

Gene: BARD1 (BRCA1 associated RING domain 1; minus strand). Cytogenetic location: 2q35.
Variant type: single nucleotide variant.
Coding change: c.1810+49A>G on transcript NM_000465.4 (MANE Select); 49 bases into the intron after coding-DNA position 1810, A replaced by G.
Molecular consequence: intron variant.
Genome position (GRCh38, 1-based): chr2:214,745,673, T>C on the plus strand (A>G on the coding strand, the complement: BARD1 is on the minus strand). VCF-style: chr2-214745673-T-C. GRCh37 (hg19) VCF-style: chr2-215610397-T-C.
Other names: c.400+49A>G (NM_001282548.2); c.1753+49A>G (NM_001282543.2); c.457+49A>G (NM_001282545.2); c.365-15165A>G (NM_001282549.2).
Identifiers: ClinVar variation 4539400 (VCV004539400.1).

ClinVar aggregate classification (germline): Likely benign (1 of 4 stars; one submission).

gnomAD v4.1: 2 of 1,599,544 alleles (0.00013%); highest among the groups gnomAD compares: East Asian, 0.0045%; no homozygotes.

Submission:

Center for Genomic Medicine, Rigshospitalet, Copenhagen University Hospital
Classification: Likely benign. Last evaluated: 2025-12-29. Review status: criteria provided, single submitter. Criteria: ACMG Guidelines, 2015. Collection method: clinical testing. Allele origin: germline.
Comment: Classification criteria: BP7, BP4